The following is an entry in ClinVar:

NM_004655.4(AXIN2):c.2142-12C>T

Gene: AXIN2 (axin 2; minus strand). Cytogenetic location: 17q24.1.
Variant type: single nucleotide variant.
Coding change: c.2142-12C>T on transcript NM_004655.4 (MANE Select); 12 bases into the intron before coding-DNA position 2142, C replaced by T.
Molecular consequence: intron variant.
Genome position (GRCh38, 1-based): chr17:65,535,733, G>A on the plus strand (C>T on the coding strand, the complement: AXIN2 is on the minus strand). VCF-style: chr17-65535733-G-A. GRCh37 (hg19) VCF-style: chr17-63531851-G-A.
Other names: c.1947-12C>T (NM_001363813.1).
Identifiers: ClinVar variation 2738955 (VCV002738955.4), dbSNP rs2509397639, ClinGen allele CA2639404511.

ClinVar aggregate classification (germline): Likely benign. Review status: criteria provided, multiple submitters, no conflicts (2 of 4 stars). 2 submissions from 2 submitters: Likely benign (2). Last evaluated 2024-07-10.

Conditions:
Oligodontia-cancer predisposition syndrome. Also called: TOOTH AGENESIS-COLORECTAL CANCER SYNDROME. Identifiers: Orphanet 300576, MedGen C1837750, MONDO:0012075, OMIM 608615. Disease mechanism: loss of function.

Allele frequency attached by ClinVar (database versions not stated): gnomAD exomes below 0.00001.
gnomAD v4.1: 1 of 1,611,742 alleles (0.000062%); highest among the groups gnomAD compares: Middle Eastern, 0.017%; no homozygotes.

Submissions (2):

Myriad Genetics, Inc.
Classification: Likely benign for Oligodontia-cancer predisposition syndrome. Last evaluated: 2024-07-10. Review status: criteria provided, single submitter. Criteria: Myriad Autosomal Dominant, Autosomal Recessive and X-Linked Classification Criteria (2023). Collection method: clinical testing. Allele origin: unknown.
Comment: This variant is considered likely benign. This variant is intronic and is not expected to impact mRNA splicing.

Labcorp Genetics (formerly Invitae), Labcorp
Classification: Likely benign for Oligodontia-cancer predisposition syndrome. Last evaluated: 2023-05-01. Review status: criteria provided, single submitter. Criteria: Invitae Variant Classification Sherloc (09022015). Collection method: clinical testing. Allele origin: germline.